The following is an entry in ClinVar:

NC_000005.9:g.(?_161495006)_(161528343_?)del

Gene: GABRG2 (gamma-aminobutyric acid type A receptor subunit gamma2; plus strand). Cytogenetic location: 5q34.
Variant type: Deletion.
Identifiers: ClinVar variation 1460159 (VCV001460159.6).

ClinVar aggregate classification (germline): Pathogenic (1 of 4 stars; one submission).

Conditions:
EPILEPSY, CHILDHOOD ABSENCE, SUSCEPTIBILITY TO, 2 (ECA2). Identifiers: Orphanet 64280, MedGen C1843244, OMIM 607681.
Febrile seizures, familial, 8 (FEB8). Also called: CONVULSIONS, FAMILIAL FEBRILE, 8. Identifiers: Orphanet 36387, MedGen C1969810, MONDO:0011891, OMIM 607681.

Submission:

Labcorp Genetics (formerly Invitae), Labcorp
Classification: Pathogenic for Febrile seizures, familial, 8; EPILEPSY, CHILDHOOD ABSENCE, SUSCEPTIBILITY TO, 2. Last evaluated: 2022-02-08. Review status: criteria provided, single submitter. Criteria: Invitae Variant Classification Sherloc (09022015). Collection method: clinical testing. Allele origin: germline.
Comment: For these reasons, this variant has been classified as Pathogenic. This variant has not been reported in the literature in individuals affected with GABRG2-related conditions. This variant is a gross deletion of the genomic region encompassing exon(s) 1-5 of the GABRG2 gene, which includes the initiator codon. This deletion extends beyond the assayed region for this gene and therefore may encompass additional genes. It is expected to result in an absent or disrupted protein product. Loss-of-function variants in GABRG2 are known to be pathogenic (PMID: 22539854, 22750526, 24407264).

Literature cited by the submitters: PubMed 22539854; PubMed 22750526; PubMed 24407264.